The following is an entry in ClinVar:

ClinVar aggregate classification (germline): Likely benign (1 of 4 stars; one submission).

gnomAD v4.1: 8 of 1,612,862 alleles (0.0005%); highest among the groups gnomAD compares: Non-Finnish European, 0.00025%; no homozygotes.

Submission:

CeGaT Center for Human Genetics Tuebingen
Classification: Likely benign. Last evaluated: 2026-06-01. Review status: criteria provided, single submitter. Criteria: CeGaT Center For Human Genetics Tuebingen Variant Classification Criteria Version 2. Collection method: clinical testing. Allele origin: germline. Affected: yes. Observed: 1 variant allele.
Comment: NDUFAF3: BP4, BP7

NM_199069.2(NDUFAF3):c.165T>G (p.Ala55=)

Gene: NDUFAF3 (NADH:ubiquinone oxidoreductase complex assembly factor 3; plus strand). Cytogenetic location: 3p21.31.
Variant type: single nucleotide variant.
Coding change: c.165T>G on transcript NM_199069.2 (MANE Select); coding-DNA position 165, T replaced by G.
Protein change: p.Ala55=; no amino-acid change (alanine 55 retained).
Molecular consequence: synonymous variant. On other transcripts: 5 prime UTR variant (3).
Genome position (GRCh38, 1-based): chr3:49,022,433, T>G. VCF-style: chr3-49022433-T-G. GRCh37 (hg19) VCF-style: chr3-49059866-T-G.
Other names: c.-7T>G (NM_199070.2, NM_199073.2, NM_199074.2).
Identifiers: ClinVar variation 4874242 (VCV004874242.2).
Genomic context (GRCh38, chr3:49,022,433, plus strand): 5'-GCCGGCGGATGACGAGCTGTATCAGCGGACGCGCATCTCTCTGCTGCAACGCGAGGCCGC[T>G]CAGGCAATGTACATCGACAGCTACAACAGCCGCGGCTTCATGATAAACGGAAACCGCGTG-3'
Protein context (NP_951032.1, residues 45-65): TRISLLQREA[Ala55=]QAMYIDSYNS